The following is an entry in ClinVar:

ClinVar aggregate classification (germline): Likely pathogenic (1 of 4 stars; one submission).

Conditions:
Dilated cardiomyopathy 1G (CMD1G). Identifiers: Orphanet 154, MedGen C1858763, MONDO:0011400, OMIM 604145.
Autosomal recessive limb-girdle muscular dystrophy type 2J (LGMDR10). Also called: Limb-girdle muscular dystrophy, type 2J; MUSCULAR DYSTROPHY, LIMB-GIRDLE, AUTOSOMAL RECESSIVE 10. Identifiers: Orphanet 140922, MedGen C1837342, MONDO:0012127, OMIM 608807.

Submission:

Labcorp Genetics (formerly Invitae), Labcorp
Classification: Likely pathogenic for Dilated cardiomyopathy 1G; Autosomal recessive limb-girdle muscular dystrophy type 2J. Last evaluated: 2022-05-18. Review status: criteria provided, single submitter. Criteria: Invitae Variant Classification Sherloc (09022015). Collection method: clinical testing. Allele origin: germline.
Comment: This sequence change creates a premature translational stop signal (p.Glu29778Lysfs*23) in the TTN gene. While this is not anticipated to result in nonsense mediated decay, it is expected to create a truncated TTN protein. This variant is not present in population databases (gnomAD no frequency). This variant has not been reported in the literature in individuals affected with TTN-related conditions. This variant is located in the A band of TTN (PMID: 25589632). Truncating variants in this region are significantly overrepresented in patients affected with dilated cardiomyopathy (PMID: 25589632). Truncating variants in this region have also been reported in individuals affected with autosomal recessive centronuclear myopathy (PMID: 23975875). In summary, the currently available evidence indicates that the variant is pathogenic, but additional data are needed to prove that conclusively. Therefore, this variant has been classified as Likely Pathogenic.

Literature cited by the submitters: PubMed 25589632; PubMed 23975875.

NM_001267550.2(TTN):c.89332del (p.Glu29778fs)

Genes: TTN (titin; minus strand), TTN-AS1 (TTN antisense RNA 1; plus strand). Cytogenetic location: 2q31.2.
Variant type: Deletion.
Coding change: c.89332del on transcript NM_001267550.2 (MANE Select); coding-DNA position 89332, one base deleted (G; older notation c.89332delG).
Protein change: p.Glu29778fs; shifts the reading frame from glutamic acid 29778.
Molecular consequence: frameshift variant.
Genome position (GRCh38, 1-based): chr2:178,553,673, C deleted on the plus strand (G on the coding strand, the reverse complement: TTN is on the minus strand); the first of 2 consecutive C bases (chr2:178,553,673-178,553,674); deleting either gives the same sequence. VCF-style (leftmost placement, unchanged base first): chr2-178553672-TC-T. GRCh37 (hg19) VCF-style: chr2-179418399-TC-T.
Other names: c.84409del, p.Glu28137fs (NM_001256850.1); c.62137del, p.Glu20713fs (NM_003319.4); c.81628del, p.Glu27210fs (NM_133378.4); c.62512del, p.Glu20838fs (NM_133432.3); c.62713del, p.Glu20905fs (NM_133437.4); short protein forms E20905fs, E27210fs, E28137fs, E29778fs, E20713fs, E20838fs.
Identifiers: ClinVar variation 2112224 (VCV002112224.4), dbSNP rs2469336350, ClinGen allele CA2580064638.